The following is an entry in ClinVar:

NM_032444.4(SLX4):c.5339A>C (p.Glu1780Ala)

Gene: SLX4 (SLX4 structure-specific endonuclease subunit; minus strand). Cytogenetic location: 16p13.3.
Variant type: single nucleotide variant.
Coding change: c.5339A>C on transcript NM_032444.4 (MANE Select); coding-DNA position 5339, A replaced by C.
Protein change: p.Glu1780Ala; replaces glutamic acid 1780 with alanine.
Molecular consequence: missense variant.
Genome position (GRCh38, 1-based): chr16:3,582,508, T>G on the plus strand (A>C on the coding strand, the complement: SLX4 is on the minus strand). VCF-style: chr16-3582508-T-G. GRCh37 (hg19) VCF-style: chr16-3632509-T-G.
Other names: short protein forms E1780A.
Identifiers: ClinVar variation 4707239 (VCV004707239.1).

ClinVar aggregate classification (germline): Uncertain significance (1 of 4 stars; one submission).

Conditions:
Fanconi anemia (FA). Also called: Fanconi's anemia. Identifiers: Orphanet 84, MedGen C0015625, MeSH D005199, MONDO:0019391.

gnomAD v4.1: 10 of 1,613,900 alleles (0.00062%); highest among the groups gnomAD compares: Non-Finnish European, 0.00076%; no homozygotes.

Submission:

Labcorp Genetics (formerly Invitae), Labcorp
Classification: Uncertain significance for Fanconi anemia. Last evaluated: 2025-09-29. Review status: criteria provided, single submitter. Criteria: Invitae Variant Classification Sherloc (09022015). Collection method: clinical testing. Allele origin: germline.
Comment: This sequence change replaces glutamic acid, which is acidic and polar, with alanine, which is neutral and non-polar, at codon 1780 of the SLX4 protein (p.Glu1780Ala). This variant is present in population databases (no rsID available, gnomAD 0.002%). This variant has not been reported in the literature in individuals affected with SLX4-related conditions. An algorithm developed to predict the effect of missense changes on protein structure and function outputs the following: PolyPhen-2: "Benign". The alanine amino acid residue is found in multiple mammalian species, which suggests that this missense change does not adversely affect protein function. In summary, the available evidence is currently insufficient to determine the role of this variant in disease. Therefore, it has been classified as a Variant of Uncertain Significance.